The following is an entry in ClinVar:

ClinVar aggregate classification (germline): Uncertain significance (1 of 4 stars; one submission).

Allele frequency attached by ClinVar (database versions not stated): ExAC 0.00001; gnomAD exomes 0.00001; TOPMed 0.00001.

Submission:

Labcorp Genetics (formerly Invitae), Labcorp
Classification: Uncertain significance. Last evaluated: 2025-03-30. Review status: criteria provided, single submitter. Criteria: Invitae Variant Classification Sherloc (09022015). Collection method: clinical testing. Allele origin: germline.
Comment: The OPA1 gene has multiple clinically relevant transcripts. This variant occurs in alternate transcript NM_130837.2, and corresponds to NM_015560.2:c.625-5415C>T in the primary transcript. This sequence change replaces arginine, which is basic and polar, with cysteine, which is neutral and slightly polar, at codon 262 of the OPA1 protein (p.Arg262Cys). This variant is present in population databases (rs767350693, gnomAD 0.003%). This variant has not been reported in the literature in individuals affected with OPA1-related conditions. ClinVar contains an entry for this variant (Variation ID: 1446774). Experimental studies and prediction algorithms are not available or were not evaluated, and the functional significance of this variant is currently unknown. Algorithms developed to predict the effect of sequence changes on RNA splicing suggest that this variant is not likely to affect RNA splicing. In summary, the available evidence is currently insufficient to determine the role of this variant in disease. Therefore, it has been classified as a Variant of Uncertain Significance.

NM_130837.3(OPA1):c.784C>T (p.Arg262Cys)

Genes: OPA1 (OPA1 mitochondrial dynamin like GTPase; plus strand), OPA1-AS1 (OPA1 antisense RNA 1; minus strand). Cytogenetic location: 3q29.
Variant type: single nucleotide variant.
Coding change: c.784C>T on transcript NM_130837.3 (MANE Select); coding-DNA position 784, C replaced by T.
Protein change: p.Arg262Cys; replaces arginine 262 with cysteine.
Molecular consequence: missense variant. On other transcripts: intron variant (5).
Genome position (GRCh38, 1-based): chr3:193,626,197, C>T. VCF-style: chr3-193626197-C-T. GRCh37 (hg19) VCF-style: chr3-193343986-C-T.
Other names: c.250C>T, p.Arg84Cys (NM_001354663.2); c.622C>T, p.Arg208Cys (NM_130833.3); c.676C>T, p.Arg226Cys (NM_130835.3); c.730C>T, p.Arg244Cys (NM_130836.3); c.253-5415C>T (NM_001354664.2); c.679-5415C>T (NM_130834.3); c.625-5415C>T (NM_015560.3); c.571-5415C>T (NM_130832.3); and 1 more; short protein forms R208C, R226C, R244C, R84C, R262C.
Identifiers: ClinVar variation 1446774 (VCV001446774.6), dbSNP rs767350693, ClinGen allele CA2759139.